The following is an entry in ClinVar:

NM_024884.3(L2HGDH):c.408+14T>C

Gene: L2HGDH (L-2-hydroxyglutarate dehydrogenase; minus strand). Cytogenetic location: 14q21.3.
Variant type: single nucleotide variant.
Coding change: c.408+14T>C on transcript NM_024884.3 (MANE Select); 14 bases into the intron after coding-DNA position 408, T replaced by C.
Molecular consequence: intron variant.
Genome position (GRCh38, 1-based): chr14:50,302,003, A>G on the plus strand (T>C on the coding strand, the complement: L2HGDH is on the minus strand). VCF-style: chr14-50302003-A-G. GRCh37 (hg19) VCF-style: chr14-50768721-A-G.
Identifiers: ClinVar variation 1028350 (VCV001028350.13), dbSNP rs77736285, ClinGen allele CA7178041.
Genomic context (GRCh38, chr14:50,302,003, plus strand): 5'-AAAAAATGTAATATTAAACATCACTAAGCAAATGCTAGTTGGAAATTAGTCAAGGCTCTA[A>G]TAAAATGCCATACCTTGCCACACTGCTTGTAGGAAATTCCCTTTTGCTGACAGTACTCAT-3'

ClinVar aggregate classification (germline): Conflicting classifications of pathogenicity. Review status: criteria provided, conflicting classifications (1 of 4 stars). 4 submissions from 4 submitters: Uncertain significance (1); Benign (1); Likely benign (2). Last evaluated 2026-05-18.

Conditions:
L-2-hydroxyglutaric aciduria (L2HGA). Identifiers: Orphanet 79314, MedGen C1855995, MONDO:0009370, OMIM 236792, HP:0040144.

Allele frequency attached by ClinVar (database versions not stated): gnomAD exomes 0.00029 and 0.00059; ExAC 0.00073; 1000 Genomes Project 0.00200; gnomAD 0.00200 and 0.00215; ESP Exome Variant Server 0.00208; 1000 Genomes Project 30x 0.00219; TOPMed 0.00235.
gnomAD v4.1: 771 of 1,613,952 alleles (0.048%); highest among the groups gnomAD compares: African/African-American, 0.73%; 3 homozygotes.

Submissions (4):

Women's Health and Genetics/Laboratory Corporation of America, LabCorp
Classification: Likely benign. Last evaluated: 2026-05-18. Review status: criteria provided, single submitter. Criteria: LabCorp Variant Classification Summary - May 2015. Collection method: clinical testing. Allele origin: germline.

Labcorp Genetics (formerly Invitae), Labcorp
Classification: Benign for L-2-hydroxyglutaric aciduria. Last evaluated: 2025-10-03. Review status: criteria provided, single submitter. Criteria: Invitae Variant Classification Sherloc (09022015). Collection method: clinical testing. Allele origin: germline.

Blueprint Genetics
Classification: Likely benign. Last evaluated: 2024-11-25. Review status: criteria provided, single submitter. Criteria: ACMG Guidelines, 2015. Collection method: clinical testing. Allele origin: germline.

Baylor Genetics
Classification: Uncertain significance for L-2-hydroxyglutaric aciduria. Last evaluated: 2019-07-17. Review status: criteria provided, single submitter. Criteria: ACMG Guidelines, 2015. Collection method: clinical testing. Allele origin: unknown. Affected: yes.
Comment: This variant was determined to be of uncertain significance according to ACMG Guidelines, 2015 [PMID:25741868].